The following is an entry in ClinVar:

NM_025216.3(WNT10A):c.903_906del (p.Pro302fs)

Gene: WNT10A (Wnt family member 10A; plus strand). Cytogenetic location: 2q35.
Variant type: Deletion.
Coding change: c.903_906del on transcript NM_025216.3 (MANE Select); coding-DNA positions 903 to 906, 4 bases deleted (GCCG; older notation c.903_906delGCCG).
Protein change: p.Pro302fs; shifts the reading frame from proline 302.
Molecular consequence: frameshift variant.
Genome position (GRCh38, 1-based): chr2:218,892,920-218,892,923, GCCG deleted; deleting any 4 consecutive bases within chr2:218,892,917-218,892,923 gives the same sequence; the c. name uses the placement nearest the transcript's 3' end. VCF-style (leftmost placement, unchanged base first): chr2-218892916-TCCGG-T. GRCh37 (hg19) VCF-style: chr2-219757638-TCCGG-T.
Other names: short protein forms P302fs.
Identifiers: ClinVar variation 566803 (VCV000566803.10), dbSNP rs1371718238, ClinGen allele CA764943437.

ClinVar aggregate classification (germline): Pathogenic (1 of 4 stars; one submission).

Conditions:
Odonto-onycho-dermal dysplasia. Identifiers: Orphanet 2721, MedGen C0796093, MONDO:0009773, OMIM 257980.
Tooth agenesis, selective, 4 (STHAG4). Also called: LATERAL INCISORS, ABSENCE OF; LATERAL INCISORS, PEGGED OR MISSING; SUCCEDANEOUS TEETH, AGENESIS OF; TOOTH AGENESIS, SELECTIVE, 4, WITH OR WITHOUT ECTODERMAL DYSPLASIA. Identifiers: Orphanet 99798, MedGen C1835492, MONDO:0007881, OMIM 150400. Disease mechanism: loss of function.

Submission:

Labcorp Genetics (formerly Invitae), Labcorp
Classification: Pathogenic for Tooth agenesis, selective, 4; Odonto-onycho-dermal dysplasia. Last evaluated: 2022-11-12. Review status: criteria provided, single submitter. Criteria: Invitae Variant Classification Sherloc (09022015). Collection method: clinical testing. Allele origin: germline.
Comment: For these reasons, this variant has been classified as Pathogenic. This sequence change results in a frameshift in the WNT10A gene (p.Pro302Thrfs*135). While this is not anticipated to result in nonsense mediated decay, it is expected to disrupt the last 116 amino acid(s) of the WNT10A protein and extend the protein by 18 additional amino acid residues. This variant disrupts a region of the WNT10A protein in which other variant(s) (p.Glu390*) have been determined to be pathogenic (PMID: 24902757). This suggests that this is a clinically significant region of the protein, and that variants that disrupt it are likely to be disease-causing. ClinVar contains an entry for this variant (Variation ID: 566803). This variant has not been reported in the literature in individuals affected with WNT10A-related conditions. This variant is not present in population databases (gnomAD no frequency).

Literature cited by the submitters: PubMed 24902757.